The following is an entry in ClinVar:

NM_032242.4(PLXNA1):c.4509+6C>T

Gene: PLXNA1 (plexin A1; plus strand). Cytogenetic location: 3q21.3.
Variant type: single nucleotide variant.
Coding change: c.4509+6C>T on transcript NM_032242.4 (MANE Select); 6 bases into the intron after coding-DNA position 4509, C replaced by T.
Molecular consequence: intron variant.
Genome position (GRCh38, 1-based): chr3:127,028,092, C>T. VCF-style: chr3-127028092-C-T. GRCh37 (hg19) VCF-style: chr3-126746935-C-T.
Identifiers: ClinVar variation 3058159 (VCV003058159.2), dbSNP rs370714109, ClinGen allele CA2594383.

ClinVar aggregate classification (germline): Likely benign (0 of 4 stars; one submission).

Conditions:
PLXNA1-related disorder. Also called: PLXNA1-related condition.

Allele frequency attached by ClinVar (database versions not stated): gnomAD exomes 0.00003; ExAC 0.00004; gnomAD 0.00012; ESP Exome Variant Server 0.00015; 1000 Genomes Project 30x 0.00016; TOPMed 0.00019; 1000 Genomes Project 0.00020.
gnomAD v4.1: 62 of 1,613,898 alleles (0.0038%); highest among the groups gnomAD compares: African/African-American, 0.017%; no homozygotes.

Submission:

PreventionGenetics, part of Exact Sciences
Classification: Likely benign for PLXNA1-related condition. Last evaluated: 2022-01-21. Review status: no assertion criteria provided. Collection method: clinical testing. Allele origin: germline.
Comment: This variant is classified as likely benign based on ACMG/AMP sequence variant interpretation guidelines (Richards et al. 2015 PMID: 25741868, with internal and published modifications).